The following is an entry in ClinVar:

ClinVar aggregate classification (germline): Uncertain significance. Review status: criteria provided, multiple submitters, no conflicts (2 of 4 stars). 2 submissions from 2 submitters: Uncertain significance (2). Last evaluated 2024-01-16.

Conditions:
Combined immunodeficiency due to OX40 deficiency. Also called: OX40 DEFICIENCY; Immunodeficiency 16. Identifiers: Orphanet 431149, MedGen C3810053, MONDO:0014268, OMIM 615593.

Allele frequency attached by ClinVar (database versions not stated): TOPMed 0.00003; gnomAD 0.00006; ExAC 0.00014.

Submissions (2):

Ambry Genetics
Classification: Uncertain significance. Last evaluated: 2024-01-16. Review status: criteria provided, single submitter. Criteria: Ambry Variant Classification Scheme 2023. Collection method: clinical testing. Allele origin: germline.

Labcorp Genetics (formerly Invitae), Labcorp
Classification: Uncertain significance for Combined immunodeficiency due to OX40 deficiency. Last evaluated: 2023-09-27. Review status: criteria provided, single submitter. Criteria: Invitae Variant Classification Sherloc (09022015). Collection method: clinical testing. Allele origin: germline.
Comment: In summary, the available evidence is currently insufficient to determine the role of this variant in disease. Therefore, it has been classified as a Variant of Uncertain Significance. This sequence change replaces threonine, which is neutral and polar, with methionine, which is neutral and non-polar, at codon 85 of the TNFRSF4 protein (p.Thr85Met). This variant is present in population databases (rs758841991, gnomAD 0.01%). This variant has not been reported in the literature in individuals affected with TNFRSF4-related conditions. Advanced modeling of protein sequence and biophysical properties (such as structural, functional, and spatial information, amino acid conservation, physicochemical variation, residue mobility, and thermodynamic stability) performed at Invitae indicates that this missense variant is expected to disrupt TNFRSF4 protein function.

NM_003327.4(TNFRSF4):c.254C>T (p.Thr85Met)

Gene: TNFRSF4 (TNF receptor superfamily member 4; minus strand). Cytogenetic location: 1p36.33.
Variant type: single nucleotide variant.
Coding change: c.254C>T on transcript NM_003327.4 (MANE Select); coding-DNA position 254, C replaced by T.
Protein change: p.Thr85Met; replaces threonine 85 with methionine.
Molecular consequence: missense variant.
Genome position (GRCh38, 1-based): chr1:1,213,677, G>A on the plus strand (C>T on the coding strand, the complement: TNFRSF4 is on the minus strand). VCF-style: chr1-1213677-G-A. GRCh37 (hg19) VCF-style: chr1-1149057-G-A.
Other names: c.254C>T, p.Thr85Met (NM_001410709.1); c.254C>T (NM_003327.3); short protein forms T85M.
Identifiers: ClinVar variation 2750325 (VCV002750325.4), dbSNP rs758841991, ClinGen allele CA512607.